The following is an entry in ClinVar:

NM_017654.4(SAMD9):c.1528C>T (p.Pro510Ser)

Gene: SAMD9 (sterile alpha motif domain containing 9; minus strand). Cytogenetic location: 7q21.2.
Variant type: single nucleotide variant.
Coding change: c.1528C>T on transcript NM_017654.4 (MANE Select); coding-DNA position 1528, C replaced by T.
Protein change: p.Pro510Ser; replaces proline 510 with serine.
Molecular consequence: missense variant.
Genome position (GRCh38, 1-based): chr7:93,104,570, G>A on the plus strand (C>T on the coding strand, the complement: SAMD9 is on the minus strand). VCF-style: chr7-93104570-G-A. GRCh37 (hg19) VCF-style: chr7-92733883-G-A.
Other names: c.1528C>T, p.Pro510Ser (NM_001193307.2); c.1528C>T (NM_017654.3); short protein forms P510S.
Identifiers: ClinVar variation 2699778 (VCV002699778.5), dbSNP rs200929214, ClinGen allele CA4342966.
Genomic context (GRCh38, chr7:93,104,570, plus strand): 5'-GTGTAAGAAATGAAATCAGTTTCCTGACATCAGAAGCTCTTTCTCTTTGCCAGGAACTTG[G>A]ATCAAAGGGTTTATATTTTTCACTGTCAAGGTCTAACCTGCCATTGCAGAAAATCCAGCT-3'
Protein context (NP_060124.2, residues 500-520): LDSEKYKPFD[Pro510Ser]SSWQRERASD

ClinVar aggregate classification (germline): Uncertain significance. Review status: criteria provided, multiple submitters, no conflicts (2 of 4 stars). 2 submissions from 2 submitters: Uncertain significance (2). Last evaluated 2025-11-06.

Conditions:
Inborn genetic diseases. Identifiers: MedGen C0950123, MeSH D030342.

Allele frequency attached by ClinVar (database versions not stated): ExAC 0.00001; gnomAD 0.00001; TOPMed 0.00001; gnomAD exomes 0.00002.
gnomAD v4.1: 30 of 1,613,874 alleles (0.0019%); highest among the groups gnomAD compares: South Asian, 0.0044%; no homozygotes.

Submissions (2):

Labcorp Genetics (formerly Invitae), Labcorp
Classification: Uncertain significance. Last evaluated: 2025-11-06. Review status: criteria provided, single submitter. Criteria: Invitae Variant Classification Sherloc (09022015). Collection method: clinical testing. Allele origin: germline.
Comment: This sequence change replaces proline, which is neutral and non-polar, with serine, which is neutral and polar, at codon 510 of the SAMD9 protein (p.Pro510Ser). This variant is present in population databases (rs200929214, gnomAD 0.007%). This variant has not been reported in the literature in individuals affected with SAMD9-related conditions. ClinVar contains an entry for this variant (Variation ID: 2699778). Invitae Evidence Modeling of protein sequence and biophysical properties (such as structural, functional, and spatial information, amino acid conservation, physicochemical variation, residue mobility, and thermodynamic stability) indicates that this missense variant is not expected to disrupt SAMD9 protein function with a negative predictive value of 95%. In summary, the available evidence is currently insufficient to determine the role of this variant in disease. Therefore, it has been classified as a Variant of Uncertain Significance.

Ambry Genetics
Classification: Uncertain significance for Inborn genetic diseases. Last evaluated: 2024-12-22. Review status: criteria provided, single submitter. Criteria: Ambry Variant Classification Scheme 2023. Collection method: clinical testing. Allele origin: germline.
Comment: The p.P510S variant (also known as c.1528C>T), located in coding exon 1 of the SAMD9 gene, results from a C to T substitution at nucleotide position 1528. The proline at codon 510 is replaced by serine, an amino acid with similar properties. This amino acid position is conserved. In addition, this alteration is predicted to be tolerated by in silico analysis. Based on the available evidence, the clinical significance of this variant remains unclear.